The following is an entry in ClinVar:

ClinVar aggregate classification (germline): Conflicting classifications of pathogenicity. Review status: criteria provided, conflicting classifications (1 of 4 stars). 3 submissions from 3 submitters: Uncertain significance (2); Likely benign (1). Last evaluated 2023-09-25.

Conditions:
Cardiovascular phenotype. Identifiers: MedGen CN230736.
Dilated cardiomyopathy 1JJ (CMD1JJ). Identifiers: Orphanet 154, MedGen C3808935, MONDO:0014095, OMIM 615235.

Submissions (3):

Labcorp Genetics (formerly Invitae), Labcorp
Classification: Uncertain significance for Dilated cardiomyopathy 1JJ. Last evaluated: 2023-09-25. Review status: criteria provided, single submitter. Criteria: Invitae Variant Classification Sherloc (09022015). Collection method: clinical testing. Allele origin: germline.
Comment: This sequence change replaces threonine, which is neutral and polar, with serine, which is neutral and polar, at codon 905 of the LAMA4 protein (p.Thr905Ser). In summary, the available evidence is currently insufficient to determine the role of this variant in disease. Therefore, it has been classified as a Variant of Uncertain Significance. An algorithm developed to predict the effect of missense changes on protein structure and function (PolyPhen-2) suggests that this variant is likely to be tolerated. ClinVar contains an entry for this variant (Variation ID: 213575). This variant has not been reported in the literature in individuals affected with LAMA4-related conditions. This variant is not present in population databases (gnomAD no frequency).

Ambry Genetics
Classification: Uncertain significance for Cardiovascular phenotype. Last evaluated: 2021-10-13. Review status: criteria provided, single submitter. Criteria: Ambry Variant Classification Scheme 2023. Collection method: clinical testing. Allele origin: germline.
Comment: The p.T905S variant (also known as c.2713A>T), located in coding exon 20 of the LAMA4 gene, results from an A to T substitution at nucleotide position 2713. The threonine at codon 905 is replaced by serine, an amino acid with similar properties. This amino acid position is conserved. In addition, this alteration is predicted to be tolerated by in silico analysis. Since supporting evidence is limited at this time, the clinical significance of this alteration remains unclear.

GeneDx
Classification: Likely benign. Last evaluated: 2015-05-19. Review status: criteria provided, single submitter. Criteria: GeneDx Variant Classification (06012015). Collection method: clinical testing. Allele origin: germline. Affected: yes.
Comment: This variant is considered likely benign or benign based on one or more of the following criteria: it is a conservative change, it occurs at a poorly conserved position in the protein, it is predicted to be benign by multiple in silico algorithms, and/or has population frequency not consistent with disease.

NM_001105206.3(LAMA4):c.2734A>T (p.Thr912Ser)

Genes: LAMA4 (laminin subunit alpha 4; minus strand), LOC126859766 (MED14-independent group 3 enhancer GRCh37_chr6:112462018-112463217; plus strand). Cytogenetic location: 6q21.
Variant type: single nucleotide variant.
Coding change: c.2734A>T on transcript NM_001105206.3 (MANE Select); coding-DNA position 2734, A replaced by T.
Protein change: p.Thr912Ser; replaces threonine 912 with serine.
Molecular consequence: missense variant.
Genome position (GRCh38, 1-based): chr6:112,141,437, T>A on the plus strand (A>T on the coding strand, the complement: LAMA4 is on the minus strand). VCF-style: chr6-112141437-T-A. GRCh37 (hg19) VCF-style: chr6-112462639-T-A.
Other names: p.T905S:ACT>TCT; c.2713A>T, p.Thr905Ser (NM_001105207.3, NM_002290.5); short protein forms T905S, T912S.
Identifiers: ClinVar variation 213575 (VCV000213575.8), dbSNP rs863223684, ClinGen allele CA325207.